The following is an entry in ClinVar:

NM_001290060.2(SEMA3B):c.268-5G>A

Gene: SEMA3B (semaphorin 3B; plus strand). Cytogenetic location: 3p21.31.
Variant type: single nucleotide variant.
Coding change: c.268-5G>A on transcript NM_001290060.2 (MANE Select); 5 bases into the intron before coding-DNA position 268, G replaced by A.
Molecular consequence: intron variant.
Genome position (GRCh38, 1-based): chr3:50,270,428, G>A. VCF-style: chr3-50270428-G-A. GRCh37 (hg19) VCF-style: chr3-50307859-G-A.
Other names: c.268-5G>A (NM_004636.4, NM_001005914.3, NM_001290061.1).
Identifiers: ClinVar variation 3054026 (VCV003054026.2), dbSNP rs781910231, ClinGen allele CA2413700.

ClinVar aggregate classification (germline): Likely benign (0 of 4 stars; one submission).

Conditions:
SEMA3B-related disorder. Also called: SEMA3B-related condition.

Allele frequency attached by ClinVar (database versions not stated): ExAC 0.00005; TOPMed 0.00005; gnomAD exomes 0.00006; 1000 Genomes Project 30x 0.00016; gnomAD 0.00005.
gnomAD v4.1: 95 of 1,613,734 alleles (0.0059%); highest among the groups gnomAD compares: South Asian, 0.019%; no homozygotes.

Submission:

PreventionGenetics, part of Exact Sciences
Classification: Likely benign for SEMA3B-related condition. Last evaluated: 2022-06-11. Review status: no assertion criteria provided. Collection method: clinical testing. Allele origin: germline.
Comment: This variant is classified as likely benign based on ACMG/AMP sequence variant interpretation guidelines (Richards et al. 2015 PMID: 25741868, with internal and published modifications).